The following is an entry in ClinVar:

NM_014991.6(WDFY3):c.3827C>G (p.Pro1276Arg)

Gene: WDFY3 (WD repeat and FYVE domain containing 3; minus strand). Cytogenetic location: 4q21.23.
Variant type: single nucleotide variant.
Coding change: c.3827C>G on transcript NM_014991.6 (MANE Select); coding-DNA position 3827, C replaced by G.
Protein change: p.Pro1276Arg; replaces proline 1276 with arginine.
Molecular consequence: missense variant.
Genome position (GRCh38, 1-based): chr4:84,787,556, G>C on the plus strand (C>G on the coding strand, the complement: WDFY3 is on the minus strand). VCF-style: chr4-84787556-G-C. GRCh37 (hg19) VCF-style: chr4-85708709-G-C.
Other names: short protein forms P1276R.
Identifiers: ClinVar variation 3338498 (VCV003338498.1).

ClinVar aggregate classification (germline): Uncertain significance (1 of 4 stars; one submission).

Submission:

Greenwood Genetic Center Diagnostic Laboratories, Greenwood Genetic Center
Classification: Uncertain significance. Last evaluated: 2024-05-13. Review status: criteria provided, single submitter. Criteria: ACMG Guidelines, 2015. Collection method: clinical testing. Allele origin: germline. Affected: yes.
Comment: PM2